The following is an entry in ClinVar:

ClinVar aggregate classification (germline): Uncertain significance (1 of 4 stars; one submission).

Conditions:
Hereditary cancer-predisposing syndrome. Also called: Tumor predisposition; Hereditary neoplastic syndrome; Hereditary Cancer Syndrome; Neoplastic Syndromes, Hereditary. Identifiers: Orphanet 140162, MedGen C0027672, MeSH D009386, MONDO:0015356.

Submission:

Ambry Genetics
Classification: Uncertain significance for Hereditary cancer-predisposing syndrome. Last evaluated: 2023-11-03. Review status: criteria provided, single submitter. Criteria: Ambry Variant Classification Scheme 2023. Collection method: clinical testing. Allele origin: germline.
Comment: The p.G722A variant (also known as c.2165G>C), located in coding exon 17 of the POLD1 gene, results from a G to C substitution at nucleotide position 2165. The glycine at codon 722 is replaced by alanine, an amino acid with similar properties. This amino acid position is conserved. In addition, this alteration is predicted to be tolerated by in silico analysis. Since supporting evidence is limited at this time, the clinical significance of this alteration remains unclear.

NM_002691.4(POLD1):c.2165G>C (p.Gly722Ala)

Gene: POLD1 (DNA polymerase delta 1, catalytic subunit; plus strand). Cytogenetic location: 19q13.33.
Variant type: single nucleotide variant.
Coding change: c.2165G>C on transcript NM_002691.4 (MANE Select); coding-DNA position 2165, G replaced by C.
Protein change: p.Gly722Ala; replaces glycine 722 with alanine.
Molecular consequence: missense variant. On other transcripts: non-coding transcript variant (1).
Genome position (GRCh38, 1-based): chr19:50,413,436, G>C. VCF-style: chr19-50413436-G-C. GRCh37 (hg19) VCF-style: chr19-50916693-G-C.
Other names: c.2165G>C, p.Gly722Ala (NM_001256849.1); c.2243G>C, p.Gly748Ala (NM_001308632.1); short protein forms G722A, G748A.
Identifiers: ClinVar variation 3222714 (VCV003222714.1), dbSNP rs2514035354, ClinGen allele CA406983472.